The following is an entry in ClinVar:

ClinVar aggregate classification (germline): Uncertain significance (1 of 4 stars; one submission).

Submission:

GeneDx
Classification: Uncertain significance. Last evaluated: 2024-11-07. Review status: criteria provided, single submitter. Criteria: GeneDx Variant Classification Process June 2021. Collection method: clinical testing. Allele origin: germline. Affected: yes.
Comment: Not observed at significant frequency in large population cohorts (gnomAD); In silico analysis supports that this missense variant has a deleterious effect on protein structure/function; Has not been previously published as pathogenic or benign to our knowledge

NM_003072.5(SMARCA4):c.3960C>G (p.Asp1320Glu)

Gene: SMARCA4 (SWI/SNF related BAF chromatin remodeling complex subunit ATPase 4; plus strand). Cytogenetic location: 19p13.2.
Variant type: single nucleotide variant.
Coding change: c.3960C>G on transcript NM_003072.5 (MANE Select); coding-DNA position 3960, C replaced by G.
Protein change: p.Asp1320Glu; replaces aspartic acid 1320 with glutamic acid.
Molecular consequence: missense variant. On other transcripts: non-coding transcript variant (1).
Genome position (GRCh38, 1-based): chr19:11,034,922, C>G. VCF-style: chr19-11034922-C-G. GRCh37 (hg19) VCF-style: chr19-11145598-C-G.
Other names: c.3960C>G, p.Asp1320Glu (NM_001128844.3, NM_001128849.3, NM_001387283.1); c.3861C>G, p.Asp1287Glu (NM_001128845.2, NM_001128846.2, NM_001128847.4 and 3 more transcripts); short protein forms D1287E, D1320E.
Identifiers: ClinVar variation 3899137 (VCV003899137.1).